The following is an entry in ClinVar:

NM_001127222.2(CACNA1A):c.3031G>A (p.Ala1011Thr)

Gene: CACNA1A (calcium voltage-gated channel subunit alpha1 A; minus strand). Cytogenetic location: 19p13.13.
Variant type: single nucleotide variant.
Coding change: c.3031G>A on transcript NM_001127222.2 (MANE Select); coding-DNA position 3031, G replaced by A.
Protein change: p.Ala1011Thr; replaces alanine 1011 with threonine.
Molecular consequence: missense variant.
Genome position (GRCh38, 1-based): chr19:13,298,602, C>T on the plus strand (G>A on the coding strand, the complement: CACNA1A is on the minus strand). VCF-style: chr19-13298602-C-T. GRCh37 (hg19) VCF-style: chr19-13409416-C-T.
Other names: c.3043G>A, p.Ala1015Thr (NM_000068.4, NM_023035.3); c.3034G>A, p.Ala1012Thr (NM_001127221.2, NM_001174080.2); short protein forms A1011T, A1012T, A1015T.
Identifiers: ClinVar variation 1210116 (VCV001210116.3), dbSNP rs1263091149, ClinGen allele CA404342215.
Genomic context (GRCh38, chr19:13,298,602, plus strand): 5'-ACTTCCTCCTCCGATGCCTCCGCTCCTTGTCCTCCCTCCGCGCGTCCCCCTCGTACGTGG[C>T]TGGAGCGCCATGCCGGTGCCTTCTCCTGCGCTCGCCCCCGTCGGGGCCCTCGCCCTCGCC-3'
Protein context (NP_001120694.1, residues 1001-1021): RRRRHRHGAP[Ala1011Thr]TYEGDARRED

ClinVar aggregate classification (germline): Likely pathogenic (1 of 4 stars; one submission).

Conditions:
Tip-toe gait. Also called: Toe walking. Identifiers: MedGen C0427144, HP:0030051.

Submission:

Practice for Gait Abnormalities, David Pomarino, Competency Network Toe Walking C/o Practice Pomarino
Classification: Likely pathogenic for Tip-toe gait. Last evaluated: 2021-08-20. Review status: criteria provided, single submitter. Criteria: ACMG Guidelines, 2015. Collection method: clinical testing. Allele origin: germline. Affected: yes. Clinical features observed: Delayed speech and language development (HP:0000750), Clinodactyly (HP:0030084), limited range of motion of the upper ankle, Pes cavus (HP:0001761).
Comment: We performed genetic testing on two sisters with toe-walking. Both had this variant. Hereditary motor sensory neuropathy (HMSN), also known as Charcot-Marie-Tooth Disease (CMT), is the most commonly inherited peripheral polyneuropathy. It constitutes a group of inherited, progressive, motor and sensory peripheral nerve disorders with properties of demyelination, axonal degeneration, or both. It is classified by clinical characteristics, modes of inheritance, electrophysiologic features, metabolic defects, and specific gene markers. Our patients all walk on tiptoe, so they show similar symptoms. When we genetically test them with our toe walking panel, we find that around 90 per cent of them have a genetic variant that explains their toe walking. These can be assigned, for example, to the area of myopathies (such as variants of the COL6A3 gene), the area of hereditary neuropathies (such as variants of the KMT2C gene) or the area of metabolic diseases (such as variants of the PYGM gene). In a smaller group of patients with almost identical symptoms, no abnormality is found in the genes of our panel, but spastic paraplegia can be detected. In another small group of our toe walkers, no abnormalities can be detected in the genes analysed in our toe walking panel, nor do they suffer from spastic paraplegia, as is also the case with healthy children. In contrast to these, however, they show a tiptoe gait. These patients suffer from infantile cerebral palsy, in which toe walking can also be observed.

Literature cited by the submitters: PubMed 37091313.